The following is an entry in ClinVar:

NM_001273.5(CHD4):c.234_235del (p.Cys79fs)

Gene: CHD4 (chromodomain helicase DNA binding protein 4; minus strand). Cytogenetic location: 12p13.31.
Variant type: Deletion.
Coding change: c.234_235del on transcript NM_001273.5 (MANE Select); coding-DNA positions 234 to 235, 2 bases deleted (AT; older notation c.234_235delAT).
Protein change: p.Cys79fs; shifts the reading frame from cysteine 79.
Molecular consequence: frameshift variant. On other transcripts: intron variant (1).
Genome position (GRCh38, 1-based): chr12:6,602,163-6,602,164, AT deleted on the plus strand (AT on the coding strand, the reverse complement: CHD4 is on the minus strand); deleting any 2 consecutive bases within chr12:6,602,163-6,602,165 gives the same sequence; the c. name uses the placement nearest the transcript's 3' end. VCF-style (leftmost placement, unchanged base first): chr12-6602162-CAT-C. GRCh37 (hg19) VCF-style: chr12-6711328-CAT-C.
Other names: c.234_235del, p.Cys79fs (NM_001363606.2); c.223-10_223-9del (NM_001297553.2); short protein forms C79fs.
Identifiers: ClinVar variation 4886310 (VCV004886310.2).
Genomic context (GRCh38, chr12:6,602,162, plus strand): 5'-ACCTCTTCCTCCTCCTCCACAAACTCTGGCCCCTCCCCAGAGCTGTCCCCCAGCTGCCGG[CAT>C]AAGAGCATACGCTGGAGCAGGGCAAGGGGGGAAGAGGGAGACAGACACACACATGCTACA-3'

ClinVar aggregate classification (germline): Uncertain significance (1 of 4 stars; one submission).

Submission:

Dasa
Classification: Uncertain significance. Last evaluated: 2025-07-09. Review status: criteria provided, single submitter. Criteria: DASA Assertion Criteria. Collection method: clinical testing. Allele origin: germline.
Comment: NM_001273.5(CHD4):c.234_235del (p.Cys79Profs*27) is a frameshift variant in CHD4 predicted to alter the reading frame and introduce a premature termination codon. This variant is absent from population databases. The currently available literature and clinical evidence are not sufficient to establish a definitive association between this variant and the reported condition. Therefore, this variant is classified as a variant of uncertain significance.